The following is an entry in ClinVar:

ClinVar aggregate classification (germline): Uncertain significance (1 of 4 stars; one submission).

Conditions:
Primary ciliary dyskinesia. Also called: Ciliary dyskinesia. Identifiers: Orphanet 244, MedGen C0008780, MONDO:0016575, HP:0012265.

Allele frequency attached by ClinVar (database versions not stated): gnomAD 0.00001; gnomAD exomes 0.00001 and 0.00002; ExAC 0.00002.
gnomAD v4.1: 11 of 1,613,032 alleles (0.00068%); highest among the groups gnomAD compares: Middle Eastern, 0.049%; no homozygotes.

Submission:

Labcorp Genetics (formerly Invitae), Labcorp
Classification: Uncertain significance for Primary ciliary dyskinesia. Last evaluated: 2023-08-30. Review status: criteria provided, single submitter. Criteria: Invitae Variant Classification Sherloc (09022015). Collection method: clinical testing. Allele origin: germline.
Comment: In summary, the available evidence is currently insufficient to determine the role of this variant in disease. Therefore, it has been classified as a Variant of Uncertain Significance. Advanced modeling of protein sequence and biophysical properties (such as structural, functional, and spatial information, amino acid conservation, physicochemical variation, residue mobility, and thermodynamic stability) performed at Invitae indicates that this missense variant is expected to disrupt DNAH8 protein function. ClinVar contains an entry for this variant (Variation ID: 655670). This variant has not been reported in the literature in individuals affected with DNAH8-related conditions. This variant is present in population databases (rs766818202, gnomAD 0.007%). This sequence change replaces glycine, which is neutral and non-polar, with glutamic acid, which is acidic and polar, at codon 2267 of the DNAH8 protein (p.Gly2267Glu).

NM_001206927.2(DNAH8):c.6800G>A (p.Gly2267Glu)

Gene: DNAH8 (dynein axonemal heavy chain 8; plus strand). Cytogenetic location: 6p21.2.
Variant type: single nucleotide variant.
Coding change: c.6800G>A on transcript NM_001206927.2 (MANE Select); coding-DNA position 6800, G replaced by A.
Protein change: p.Gly2267Glu; replaces glycine 2267 with glutamic acid.
Molecular consequence: missense variant.
Genome position (GRCh38, 1-based): chr6:38,868,168, G>A. VCF-style: chr6-38868168-G-A. GRCh37 (hg19) VCF-style: chr6-38835944-G-A.
Other names: c.6149G>A, p.Gly2050Glu (NM_001371.4); short protein forms G2050E, G2267E.
Identifiers: ClinVar variation 655670 (VCV000655670.10), dbSNP rs766818202, ClinGen allele CA3789759.